The following is an entry in ClinVar:

ClinVar aggregate classification (germline): Likely benign (1 of 4 stars; one submission).

Conditions:
PDE6B-related disorder. Also called: PDE6B-related disease; PDE6B-related condition; PDE6B-related disorders.

gnomAD v4.1: 38 of 1,612,270 alleles (0.0024%); highest among the groups gnomAD compares: South Asian, 0.0077%; no homozygotes.

Submission:

PreventionGenetics, part of Exact Sciences
Classification: Likely benign for PDE6B-related condition. Last evaluated: 2025-07-15. Review status: criteria provided, single submitter. Criteria: ACMG Guidelines, 2015. Collection method: clinical testing. Allele origin: germline.
Comment: This variant is classified as likely benign based on ACMG/AMP sequence variant interpretation guidelines (Richards et al. 2015 PMID: 25741868, with internal and published modifications).

NM_000283.4(PDE6B):c.2205C>T (p.Leu735=)

Gene: PDE6B (phosphodiesterase 6B; plus strand). Cytogenetic location: 4p16.3.
Variant type: single nucleotide variant.
Coding change: c.2205C>T on transcript NM_000283.4 (MANE Select); coding-DNA position 2205, C replaced by T.
Protein change: p.Leu735=; no amino-acid change (leucine 735 retained).
Molecular consequence: synonymous variant.
Genome position (GRCh38, 1-based): chr4:665,266, C>T. VCF-style: chr4-665266-C-T. GRCh37 (hg19) VCF-style: chr4-659055-C-T.
Other names: c.2205C>T, p.Leu735= (NM_001145291.2, NM_001440547.1, NM_001440548.1); c.1368C>T, p.Leu456= (NM_001145292.2, NM_001350154.3, NM_001379246.1 and 1 more transcripts); c.1050C>T, p.Leu350= (NM_001350155.3).
Identifiers: ClinVar variation 4979760 (VCV004979760.1).